The following is an entry in ClinVar:

ClinVar aggregate classification (germline): Uncertain significance (1 of 4 stars; one submission).

Submission:

Labcorp Genetics (formerly Invitae), Labcorp
Classification: Uncertain significance. Last evaluated: 2023-03-13. Review status: criteria provided, single submitter. Criteria: Invitae Variant Classification Sherloc (09022015). Collection method: clinical testing. Allele origin: germline.
Comment: This variant is not present in population databases (gnomAD no frequency). This variant has not been reported in the literature in individuals affected with FH-related conditions. This variant, c.777_779del, is a complex sequence change that results in the deletion of 2 and insertion of 1 amino acid(s) in the FH protein (p.Met259_Thr260delinsIle). ClinVar contains an entry for this variant (Variation ID: 2033865). Experimental studies and prediction algorithms are not available or were not evaluated, and the functional significance of this variant is currently unknown. In summary, the available evidence is currently insufficient to determine the role of this variant in disease. Therefore, it has been classified as a Variant of Uncertain Significance.

NM_000143.4(FH):c.777_779del (p.Met259_Thr260delinsIle)

Gene: FH (fumarate hydratase; minus strand). Cytogenetic location: 1q43.
Variant type: Deletion.
Coding change: c.777_779del on transcript NM_000143.4 (MANE Select); coding-DNA positions 777 to 779, 3 bases deleted (GAC; older notation c.777_779delGAC).
Protein change: p.Met259_Thr260delinsIle.
Molecular consequence: inframe indel.
Genome position (GRCh38, 1-based): chr1:241,506,128-241,506,130, GTC deleted on the plus strand (GAC on the coding strand, the reverse complement: FH is on the minus strand). VCF-style (leftmost placement, unchanged base first): chr1-241506127-TGTC-T. GRCh37 (hg19) VCF-style: chr1-241669427-TGTC-T.
Identifiers: ClinVar variation 2033865 (VCV002033865.4), dbSNP rs2527323043, ClinGen allele CA2580063497.